The following is an entry in ClinVar:

ClinVar aggregate classification (germline): Pathogenic (1 of 4 stars; one submission).

Conditions:
Intellectual developmental disorder, autosomal dominant 57. Also called: MENTAL RETARDATION, AUTOSOMAL DOMINANT 57; Intellectual disability, autosomal dominant 57. Identifiers: MedGen C4748003, MONDO:0054837, OMIM 618050.

Submission:

Center for Human Genetics and Genomic Medicine, Uniklinik Rwth Aachen
Classification: Pathogenic for Intellectual developmental disorder, autosomal dominant 57. Last evaluated: 2025-01-03. Review status: criteria provided, single submitter. Criteria: ACMG Guidelines, 2015. Collection method: clinical testing. Allele origin: de novo. Inheritance: Autosomal dominant inheritance. Affected: yes. Observed: 1 heterozygote.
Comment: The variant is not listed in control collectives (gnomAD v4.0.0) (as of January 3, 2025). It has not yet been described in the ClinVar database. In the literature, the change is described in people with, among other things, developmental disorders (see Reijnders et al, 2018). It affects the canonical splice site and thus most likely leads to altered splicing and thus to loss of function of the corresponding protein. In the case of loss-of-function variants in a gene that matches the phenotype and in which "loss of function" changes represent a known pathomechanism, it is highly likely that they are pathogenetic relevant. Bioinformatically, the change is classified as "probably disease-causing" (CADDphred 33). The variant is currently to be regarded as a "pathogenic variant".

NM_006852.6(TLK2):c.1286+1G>A

Gene: TLK2 (tousled like kinase 2; plus strand). Cytogenetic location: 17q23.2.
Variant type: single nucleotide variant.
Coding change: c.1286+1G>A on transcript NM_006852.6 (MANE Select); the canonical splice donor site of the intron after coding-DNA position 1286, G replaced by A.
Molecular consequence: splice donor variant.
Genome position (GRCh38, 1-based): chr17:62,578,575, G>A. VCF-style: chr17-62578575-G-A. GRCh37 (hg19) VCF-style: chr17-60655936-G-A.
Other names: c.1286+1G>A (NM_001375271.1, NM_001375270.1); c.839+1G>A (NM_001375273.1, NM_001330418.3); c.1190+1G>A (NM_001375272.1, NM_001284363.1); c.1001+1G>A (NM_001411074.1); c.1352+1G>A (NM_001284333.3); c.1328+1G>A (NM_001375269.1).
Identifiers: ClinVar variation 3544389 (VCV003544389.2).
Genomic context (GRCh38, chr17:62,578,575, plus strand): 5'-AAGGGTTAGAAATCTACATATCAGGGAACTAAAAAGGATACATAATGAAGATAATTCACA[G>A]TAAGCTACTTCAGGGCATATTGGGTTGGAGATTGCTAAGCATTTTATGATATGAATTGAA-3'